The following is an entry in ClinVar:

NM_152743.4(BRAT1):c.2446del (p.Asp816fs)

Gene: BRAT1 (BRCA1 associated ATM activator 1; minus strand). Cytogenetic location: 7p22.3.
Variant type: Deletion.
Coding change: c.2446del on transcript NM_152743.4 (MANE Select); coding-DNA position 2446, one base deleted (G; older notation c.2446delG).
Protein change: p.Asp816fs; shifts the reading frame from aspartic acid 816.
Molecular consequence: frameshift variant. On other transcripts: non-coding transcript variant (1).
Genome position (GRCh38, 1-based): chr7:2,538,089, C deleted on the plus strand (G on the coding strand, the reverse complement: BRAT1 is on the minus strand); the first of 5 consecutive C bases (chr7:2,538,089-2,538,093); deleting any one gives the same sequence. VCF-style (leftmost placement, unchanged base first): chr7-2538088-TC-T. GRCh37 (hg19) VCF-style: chr7-2577722-TC-T.
Other names: c.2626del, p.Asp876fs (NM_001350626.2); c.1921del, p.Asp641fs (NM_001350627.2); short protein forms D641fs, D816fs, D876fs.
Identifiers: ClinVar variation 944628 (VCV000944628.7), dbSNP rs1778818852, ClinGen allele CA1139659960.
Genomic context (GRCh38, chr7:2,538,088, plus strand): 5'-CTCCCTTGGTCCTGAGCCCCAGTGGCAGACTCTGGTTCTGCTCAGTAGCAGTCGGCCTCG[TC>T]CCCCTGCAGGAAGCCTCCCGTGGCCAGCATGTCCTGCAGGAGGGACTGGGGACTCTTTTC-3'

ClinVar aggregate classification (germline): Uncertain significance (1 of 4 stars; one submission).

Conditions:
Neonatal-onset encephalopathy with rigidity and seizures. Also called: Lethal neonatal spasticity-epileptic encephalopathy syndrome. Identifiers: Orphanet 435845, MedGen C3281029, MONDO:0013784, OMIM 614498.

Submission:

Labcorp Genetics (formerly Invitae), Labcorp
Classification: Uncertain significance for Neonatal-onset encephalopathy with rigidity and seizures. Last evaluated: 2019-06-18. Review status: criteria provided, single submitter. Criteria: Invitae Variant Classification Sherloc (09022015). Collection method: clinical testing. Allele origin: germline.
Comment: In summary, the available evidence is currently insufficient to determine the role of this variant in disease. Therefore, it has been classified as a Variant of Uncertain Significance. This variant has not been reported in the literature in individuals with BRAT1-related conditions. This variant is not present in population databases (ExAC no frequency). This sequence change results in a frameshift in the BRAT1 gene (p.Asp816Thrfs*65). While this is not anticipated to result in nonsense mediated decay, it is expected to disrupt the last 6 amino acids of the BRAT1 protein and extend the protein by an additional 58 amino acids.